The following is an entry in ClinVar:

NM_015559.3(SETBP1):c.4775G>A (p.Ser1592Asn)

Gene: SETBP1 (SET binding protein 1; plus strand). Cytogenetic location: 18q12.3.
Variant type: single nucleotide variant.
Coding change: c.4775G>A on transcript NM_015559.3 (MANE Select); coding-DNA position 4775, G replaced by A.
Protein change: p.Ser1592Asn; replaces serine 1592 with asparagine.
Molecular consequence: missense variant.
Genome position (GRCh38, 1-based): chr18:45,063,682, G>A. VCF-style: chr18-45063682-G-A. GRCh37 (hg19) VCF-style: chr18-42643647-G-A.
Other names: c.4775G>A, p.Ser1592Asn (NM_001379141.1, NM_001379142.1); c.4604G>A, p.Ser1535Asn (NM_001410862.1); short protein forms S1535N, S1592N.
Identifiers: ClinVar variation 2978535 (VCV002978535.3), dbSNP rs765053169, ClinGen allele CA8946178.

ClinVar aggregate classification (germline): Uncertain significance (1 of 4 stars; one submission).

Allele frequency attached by ClinVar (database versions not stated): TOPMed below 0.00001; ExAC 0.00001; gnomAD 0.00001; gnomAD exomes 0.00001.
gnomAD v4.1: 23 of 1,608,340 alleles (0.0014%); highest among the groups gnomAD compares: Non-Finnish European, 0.0018%; no homozygotes.

Submission:

Labcorp Genetics (formerly Invitae), Labcorp
Classification: Uncertain significance. Last evaluated: 2025-10-17. Review status: criteria provided, single submitter. Criteria: Invitae Variant Classification Sherloc (09022015). Collection method: clinical testing. Allele origin: germline.
Comment: This sequence change replaces serine, which is neutral and polar, with asparagine, which is neutral and polar, at codon 1592 of the SETBP1 protein (p.Ser1592Asn). The frequency data for this variant in the population databases is considered unreliable, as metrics indicate poor data quality at this position in the gnomAD database. This variant has not been reported in the literature in individuals affected with SETBP1-related conditions. ClinVar contains an entry for this variant (Variation ID: 2978535). An algorithm developed to predict the effect of missense changes on protein structure and function outputs the following: PolyPhen-2: "Benign". The asparagine amino acid residue is found in multiple mammalian species, which suggests that this missense change does not adversely affect protein function. In summary, the available evidence is currently insufficient to determine the role of this variant in disease. Therefore, it has been classified as a Variant of Uncertain Significance.